The following is an entry in ClinVar:

ClinVar aggregate classification (germline): Uncertain significance. Review status: criteria provided, multiple submitters, no conflicts (2 of 4 stars). 3 submissions from 3 submitters: Uncertain significance (3). Last evaluated 2025-03-01.

Conditions:
Inborn genetic diseases. Identifiers: MedGen C0950123, MeSH D030342.
Congenital myasthenic syndrome 8. Also called: MYASTHENIC SYNDROME, CONGENITAL, DUE TO AGRIN DEFICIENCY; Myasthenic syndrome, congenital, 8, with pre- and postsynaptic defects. Identifiers: Orphanet 590, MedGen C3808739, MONDO:0014052, OMIM 615120.

Allele frequency attached by ClinVar (database versions not stated): 1000 Genomes Project 0.00020; gnomAD 0.00020 and 0.00021; gnomAD exomes 0.00028 and 0.00037; TOPMed 0.00029; 1000 Genomes Project 30x 0.00031; ExAC 0.00082.

Submissions (3):

Ambry Genetics
Classification: Uncertain significance for Inborn genetic diseases. Last evaluated: 2025-03-01. Review status: criteria provided, single submitter. Criteria: Ambry Variant Classification Scheme 2023. Collection method: clinical testing. Allele origin: germline.

Labcorp Genetics (formerly Invitae), Labcorp
Classification: Uncertain significance for Congenital myasthenic syndrome 8. Last evaluated: 2022-08-16. Review status: criteria provided, single submitter. Criteria: Invitae Variant Classification Sherloc (09022015). Collection method: clinical testing. Allele origin: germline.
Comment: This sequence change replaces methionine, which is neutral and non-polar, with valine, which is neutral and non-polar, at codon 175 of the AGRN protein (p.Met175Val). This variant is present in population databases (rs575663792, gnomAD 0.08%). This variant has not been reported in the literature in individuals affected with AGRN-related conditions. ClinVar contains an entry for this variant (Variation ID: 656091). Algorithms developed to predict the effect of missense changes on protein structure and function output the following: SIFT: "Tolerated"; PolyPhen-2: "Benign"; Align-GVGD: "Class C0". The valine amino acid residue is found in multiple mammalian species, which suggests that this missense change does not adversely affect protein function. In summary, the available evidence is currently insufficient to determine the role of this variant in disease. Therefore, it has been classified as a Variant of Uncertain Significance.

GeneDx
Classification: Uncertain significance. Last evaluated: 2019-08-11. Review status: criteria provided, single submitter. Criteria: GeneDx Variant Classification Process June 2021. Collection method: clinical testing. Allele origin: germline. Affected: yes.
Comment: In silico analysis, which includes protein predictors and evolutionary conservation, supports that this variant does not alter protein structure/function; Has not been previously published as pathogenic or benign to our knowledge

NM_198576.4(AGRN):c.523A>G (p.Met175Val)

Gene: AGRN (agrin; plus strand). Cytogenetic location: 1p36.33.
Variant type: single nucleotide variant.
Coding change: c.523A>G on transcript NM_198576.4 (MANE Select); coding-DNA position 523, A replaced by G.
Protein change: p.Met175Val; replaces methionine 175 with valine.
Molecular consequence: missense variant.
Genome position (GRCh38, 1-based): chr1:1,040,676, A>G. VCF-style: chr1-1040676-A-G. GRCh37 (hg19) VCF-style: chr1-976056-A-G.
Other names: c.523A>G, p.Met175Val (NM_001305275.2); c.208A>G, p.Met70Val (NM_001364727.2); short protein forms M70V, M175V.
Identifiers: ClinVar variation 656091 (VCV000656091.8), dbSNP rs575663792, ClinGen allele CA507874.